The following is an entry in ClinVar:

NM_001377229.1(DISP1):c.2485C>T (p.His829Tyr)

Gene: DISP1 (dispatched RND transporter family member 1; plus strand). Cytogenetic location: 1q41.
Variant type: single nucleotide variant.
Coding change: c.2485C>T on transcript NM_001377229.1 (MANE Select); coding-DNA position 2485, C replaced by T.
Protein change: p.His829Tyr; replaces histidine 829 with tyrosine.
Molecular consequence: missense variant.
Genome position (GRCh38, 1-based): chr1:223,003,882, C>T. VCF-style: chr1-223003882-C-T. GRCh37 (hg19) VCF-style: chr1-223177224-C-T.
Other names: c.1756C>T, p.His586Tyr (NM_001350630.2); c.2485C>T, p.His829Tyr (NM_001369594.1, NM_001377228.1, NM_032890.5); short protein forms H829Y, H586Y.
Identifiers: ClinVar variation 420839 (VCV000420839.3), dbSNP rs760552910, ClinGen allele CA16617074.

ClinVar aggregate classification (germline): Uncertain significance. Review status: criteria provided, multiple submitters, no conflicts (2 of 4 stars). 2 submissions from 2 submitters: Uncertain significance (2). Last evaluated 2025-08-22.

Allele frequency attached by ClinVar (database versions not stated): gnomAD exomes below 0.00001 and 0.00001; TOPMed below 0.00001.
gnomAD v4.1: 18 of 1,614,122 alleles (0.0011%); highest among the groups gnomAD compares: Non-Finnish European, 0.0015%; no homozygotes.

Submissions (2):

Ambry Genetics
Classification: Uncertain significance. Last evaluated: 2025-08-22. Review status: criteria provided, single submitter. Criteria: Ambry Variant Classification Scheme 2023. Collection method: clinical testing. Allele origin: germline.

GeneDx
Classification: Uncertain significance. Last evaluated: 2017-12-12. Review status: criteria provided, single submitter. Criteria: GeneDx Variant Classification (06012015). Collection method: clinical testing. Allele origin: germline. Affected: yes.
Comment: The H829Y variant in the DISP1 gene has not been reported previously as a pathogenic variant, nor as a benign variant, to our knowledge. The H829Y variant was not observed in approximately 6,500 individuals of European and African American ancestry in the NHLBI Exome Sequencing Project, indicating it is not a common benign variant in these populations. The H829Y variant is a non-conservative amino acid substitution, which is likely to impact secondary protein structure as these residues differ in polarity, charge, size and/or other properties. This substitution occurs at a position that is conserved across species. However, in silico analysis is inconsistent in its predictions as to whether or not the variant is damaging to the protein structure/function. We interpret H829Y as a variant of uncertain significance.